The following is an entry in ClinVar:

NM_001010867.4(IBA57):c.781A>C (p.Ile261Leu)

Gene: IBA57 (iron-sulfur cluster assembly factor IBA57; plus strand). Cytogenetic location: 1q42.13.
Variant type: single nucleotide variant.
Coding change: c.781A>C on transcript NM_001010867.4 (MANE Select); coding-DNA position 781, A replaced by C.
Protein change: p.Ile261Leu; replaces isoleucine 261 with leucine.
Molecular consequence: missense variant.
Genome position (GRCh38, 1-based): chr1:228,175,223, A>C. VCF-style: chr1-228175223-A-C. GRCh37 (hg19) VCF-style: chr1-228362924-A-C.
Other names: c.202A>C, p.Ile68Leu (NM_001310327.2); short protein forms I261L, I68L.
Identifiers: ClinVar variation 1932671 (VCV001932671.5), dbSNP rs749789419, ClinGen allele CA345115261.
Genomic context (GRCh38, chr1:228,175,223, plus strand): 5'-CTGCCCCTGGAGTCCAACCTGGCCTTCATGAACGGCGTGAGCTTCACCAAAGGCTGCTAC[A>C]TTGGCCAGGAGCTGACGGCCCGCACCCACCACATGGGCGTCATCCGCAAGCGCCTCTTCC-3'
Protein context (NP_001010867.1, residues 251-271): NGVSFTKGCY[Ile261Leu]GQELTARTHH

ClinVar aggregate classification (germline): Uncertain significance (1 of 4 stars; one submission).

Conditions:
Multiple mitochondrial dysfunctions syndrome 3 (MMDS3). Identifiers: Orphanet 363424, MedGen C3809165, MONDO:0014132, OMIM 615330.
Hereditary spastic paraplegia 74. Also called: Spastic paraplegia 74, autosomal recessive. Identifiers: Orphanet 468661, MedGen C5568837, MONDO:0014644, OMIM 616451.

gnomAD v4.1: 1 of 1,612,618 alleles (0.000062%); highest among the groups gnomAD compares: East Asian, 0.0022%; no homozygotes.

Submission:

Labcorp Genetics (formerly Invitae), Labcorp
Classification: Uncertain significance for Multiple mitochondrial dysfunctions syndrome 3; Hereditary spastic paraplegia 74. Last evaluated: 2022-07-14. Review status: criteria provided, single submitter. Criteria: Invitae Variant Classification Sherloc (09022015). Collection method: clinical testing. Allele origin: germline.
Comment: This variant is not present in population databases (gnomAD no frequency). This variant has not been reported in the literature in individuals affected with IBA57-related conditions. Algorithms developed to predict the effect of missense changes on protein structure and function (SIFT, PolyPhen-2, Align-GVGD) all suggest that this variant is likely to be tolerated. In summary, the available evidence is currently insufficient to determine the role of this variant in disease. Therefore, it has been classified as a Variant of Uncertain Significance. This sequence change replaces isoleucine, which is neutral and non-polar, with leucine, which is neutral and non-polar, at codon 261 of the IBA57 protein (p.Ile261Leu).